The following is an entry in ClinVar:

NM_001145026.2(PTPRQ):c.98C>T (p.Thr33Ile)

Gene: PTPRQ (protein tyrosine phosphatase receptor type Q; plus strand). Cytogenetic location: 12q21.31.
Variant type: single nucleotide variant.
Coding change: c.98C>T on transcript NM_001145026.2 (MANE Select); coding-DNA position 98, C replaced by T.
Protein change: p.Thr33Ile; replaces threonine 33 with isoleucine.
Molecular consequence: missense variant.
Genome position (GRCh38, 1-based): chr12:80,444,784, C>T. VCF-style: chr12-80444784-C-T. GRCh37 (hg19) VCF-style: chr12-80838564-C-T.
Other names: short protein forms T33I.
Identifiers: ClinVar variation 508621 (VCV000508621.3), dbSNP rs78857302, ClinGen allele CA6702292.

ClinVar aggregate classification (germline): Benign. Review status: criteria provided, multiple submitters, no conflicts (2 of 4 stars). 3 submissions from 3 submitters: Benign (3). Last evaluated 2018-12-06.

Allele frequency attached by ClinVar (database versions not stated): ESP Exome Variant Server 0.02278; gnomAD 0.03016 and 0.03247; TOPMed 0.03376; 1000 Genomes Project 30x 0.04731; 1000 Genomes Project 0.05012.
gnomAD v4.1: 40,414 of 1,539,526 alleles (2.6%); highest among the groups gnomAD compares: Admixed American, 8.7%; 957 homozygotes.

Submissions (3):

Athena Diagnostics
Classification: Benign. Last evaluated: 2018-12-06. Review status: criteria provided, single submitter. Criteria: Athena Diagnostics Criteria. Collection method: clinical testing. Allele origin: germline.

GeneDx
Classification: Benign. Last evaluated: 2017-05-09. Review status: criteria provided, single submitter. Criteria: GeneDx Variant Classification (06012015). Collection method: clinical testing. Allele origin: germline. Affected: yes.
Comment: This variant is considered likely benign or benign based on one or more of the following criteria: it is a conservative change, it occurs at a poorly conserved position in the protein, it is predicted to be benign by multiple in silico algorithms, and/or has population frequency not consistent with disease.

Breakthrough Genomics
Classification: Benign. Review status: criteria provided, single submitter. Criteria: ACMG Guidelines, 2015. Collection method: not provided. Allele origin: germline. Inheritance: Autosomal recessive inheritance. Affected: yes.